The following is an entry in ClinVar:

NM_000043.6(FAS):c.713G>T (p.Gly238Val)

Gene: FAS (Fas cell surface death receptor; plus strand). Cytogenetic location: 10q23.31.
Variant type: single nucleotide variant.
Coding change: c.713G>T on transcript NM_000043.6 (MANE Select); coding-DNA position 713, G replaced by T.
Protein change: p.Gly238Val; replaces glycine 238 with valine.
Molecular consequence: missense variant. On other transcripts: 3 prime UTR variant (2), non-coding transcript variant (7).
Genome position (GRCh38, 1-based): chr10:89,014,155, G>T. VCF-style: chr10-89014155-G-T. GRCh37 (hg19) VCF-style: chr10-90773912-G-T.
Other names: c.*36G>T (NM_001320619.2); c.758G>T, p.Gly253Val (NM_001410956.1); c.650G>T, p.Gly217Val (NM_152871.4); c.*25G>T (NM_152872.4); short protein forms G217V, G238V, G253V.
Identifiers: ClinVar variation 3256547 (VCV003256547.1).

ClinVar aggregate classification (germline): Likely pathogenic (1 of 4 stars; one submission).

Conditions:
Autoimmune lymphoproliferative syndrome type 1. Also called: AUTOIMMUNE LYMPHOPROLIFERATIVE SYNDROME, TYPE I, AUTOSOMAL DOMINANT. Identifiers: Orphanet 3261, MedGen C2717884, MONDO:0011158, OMIM 601859.

Submission:

Laboratory of Medical Genetics, National & Kapodistrian University of Athens
Classification: Likely pathogenic for Autoimmune lymphoproliferative syndrome type 1. Last evaluated: 2024-05-13. Review status: criteria provided, single submitter. Criteria: ACMG Guidelines, 2015. Collection method: clinical testing. Allele origin: de novo. Affected: yes.
Comment: PS2, PM1, PM2- It is not present in population databases (gnomAD no frequency). The variant was detected de novo (paternity confirmed).